The following is an entry in ClinVar:

NM_001004334.4(GPR179):c.415G>A (p.Glu139Lys)

Gene: GPR179 (G protein-coupled receptor 179; minus strand). Cytogenetic location: 17q12.
Variant type: single nucleotide variant.
Coding change: c.415G>A on transcript NM_001004334.4 (MANE Select); coding-DNA position 415, G replaced by A.
Protein change: p.Glu139Lys; replaces glutamic acid 139 with lysine.
Molecular consequence: missense variant.
Genome position (GRCh38, 1-based): chr17:38,343,375, C>T on the plus strand (G>A on the coding strand, the complement: GPR179 is on the minus strand). VCF-style: chr17-38343375-C-T. GRCh37 (hg19) VCF-style: chr17-36499258-C-T.
Other names: c.415G>A (NM_001004334.2); short protein forms E139K.
Identifiers: ClinVar variation 285272 (VCV000285272.13), dbSNP rs370341548, ClinGen allele CA10605058.

ClinVar aggregate classification (germline): Uncertain significance. Review status: criteria provided, multiple submitters, no conflicts (2 of 4 stars). 4 submissions from 4 submitters: Uncertain significance (4). Last evaluated 2023-08-24.

Conditions:
Inborn genetic diseases. Identifiers: MedGen C0950123, MeSH D030342.

Allele frequency attached by ClinVar (database versions not stated): gnomAD exomes below 0.00001 and 0.00001; ExAC 0.00001; gnomAD 0.00001; TOPMed 0.00001; ESP Exome Variant Server 0.00016.

Submissions (4):

Labcorp Genetics (formerly Invitae), Labcorp
Classification: Uncertain significance. Last evaluated: 2023-08-24. Review status: criteria provided, single submitter. Criteria: Invitae Variant Classification Sherloc (09022015). Collection method: clinical testing. Allele origin: germline.
Comment: In summary, the available evidence is currently insufficient to determine the role of this variant in disease. Therefore, it has been classified as a Variant of Uncertain Significance. An algorithm developed to predict the effect of missense changes on protein structure and function (PolyPhen-2) suggests that this variant is likely to be disruptive. ClinVar contains an entry for this variant (Variation ID: 285272). This variant has not been reported in the literature in individuals affected with GPR179-related conditions. This variant is present in population databases (rs370341548, gnomAD 0.003%). This sequence change replaces glutamic acid, which is acidic and polar, with lysine, which is basic and polar, at codon 139 of the GPR179 protein (p.Glu139Lys).

Ambry Genetics
Classification: Uncertain significance for Inborn genetic diseases. Last evaluated: 2023-06-12. Review status: criteria provided, single submitter. Criteria: Ambry Variant Classification Scheme 2023. Collection method: clinical testing. Allele origin: germline.

Blueprint Genetics
Classification: Uncertain significance. Last evaluated: 2020-02-26. Review status: criteria provided, single submitter. Criteria: ACMG Guidelines, 2015. Collection method: clinical testing. Allele origin: germline.

Eurofins Ntd Llc (ga)
Classification: Uncertain significance. Last evaluated: 2016-01-27. Review status: criteria provided, single submitter. Criteria: EGL Classification Definitions 2015. Collection method: clinical testing. Allele origin: germline. Observed: 1 variant allele, 1 heterozygote.